The following is an entry in ClinVar:

NM_020184.4(CNNM4):c.1875G>T (p.Gly625=)

Gene: CNNM4 (cyclin and CBS domain divalent metal cation transport mediator 4; plus strand). Cytogenetic location: 2q11.2.
Variant type: single nucleotide variant.
Coding change: c.1875G>T on transcript NM_020184.4 (MANE Select); coding-DNA position 1875, G replaced by T.
Protein change: p.Gly625=; no amino-acid change (glycine 625 retained).
Molecular consequence: synonymous variant.
Genome position (GRCh38, 1-based): chr2:96,799,575, G>T. VCF-style: chr2-96799575-G-T. GRCh37 (hg19) VCF-style: chr2-97465312-G-T.
Identifiers: ClinVar variation 2148770 (VCV002148770.1), dbSNP rs991618245, ClinGen allele CA52453614.

ClinVar aggregate classification (germline): Uncertain significance (1 of 4 stars; one submission).

Allele frequency attached by ClinVar (database versions not stated): gnomAD exomes below 0.00001; gnomAD 0.00001; TOPMed 0.00001.
gnomAD v4.1: 9 of 1,555,612 alleles (0.00058%); highest among the groups gnomAD compares: East Asian, 0.0048%; no homozygotes.

Submission:

Labcorp Genetics (formerly Invitae), Labcorp
Classification: Uncertain significance. Last evaluated: 2022-03-23. Review status: criteria provided, single submitter. Criteria: Invitae Variant Classification Sherloc (09022015). Collection method: clinical testing. Allele origin: germline.
Comment: This sequence change affects codon 625 of the CNNM4 mRNA. It is a 'silent' change, meaning that it does not change the encoded amino acid sequence of the CNNM4 protein. The frequency data for this variant in the population databases is considered unreliable, as metrics indicate poor data quality at this position in the gnomAD database. This variant has not been reported in the literature in individuals affected with CNNM4-related conditions. Algorithms developed to predict the effect of sequence changes on RNA splicing suggest that this variant may create or strengthen a splice site. In summary, the available evidence is currently insufficient to determine the role of this variant in disease. Therefore, it has been classified as a Variant of Uncertain Significance.